The following is an entry in ClinVar:

ClinVar aggregate classification (germline): Likely benign. Review status: criteria provided, multiple submitters, no conflicts (2 of 4 stars). 4 submissions from 4 submitters: Likely benign (3). 1 of the submissions does not count toward it. Last evaluated 2025-09-13.

Conditions:
Inborn genetic diseases. Identifiers: MedGen C0950123, MeSH D030342.
EFTUD2-related disorder. Also called: EFTUD2-related condition.

Allele frequency attached by ClinVar (database versions not stated): gnomAD exomes 0.00003 and 0.00006; ExAC 0.00005; TOPMed 0.00006; gnomAD 0.00009.
gnomAD v4.1: 66 of 1,613,730 alleles (0.0041%); highest among the groups gnomAD compares: Non-Finnish European, 0.0015%; no homozygotes.

Submissions (4):

Labcorp Genetics (formerly Invitae), Labcorp
Classification: Likely benign. Last evaluated: 2025-09-13. Review status: criteria provided, single submitter. Criteria: Invitae Variant Classification Sherloc (09022015). Collection method: clinical testing. Allele origin: germline.

Laboratory of Genetics, Children's Clinical University Hospital Latvia
Classification: Likely benign. Last evaluated: 2025-02-16. Review status: criteria provided, single submitter. Criteria: ACMG Guidelines, 2015. Collection method: clinical testing. Allele origin: germline. Affected: yes.

Ambry Genetics
Classification: Likely benign for Inborn genetic diseases. Last evaluated: 2023-07-12. Review status: criteria provided, single submitter. Criteria: Ambry Variant Classification Scheme 2023. Collection method: clinical testing. Allele origin: germline.

PreventionGenetics, part of Exact Sciences
Classification: Likely benign for EFTUD2-related condition. Last evaluated: 2023-04-04. Review status: no assertion criteria provided. Collection method: clinical testing. Allele origin: germline. Not counted in ClinVar's aggregate classification.
Comment: This variant is classified as likely benign based on ACMG/AMP sequence variant interpretation guidelines (Richards et al. 2015 PMID: 25741868, with internal and published modifications).

NM_004247.4(EFTUD2):c.2555G>A (p.Arg852Lys)

Gene: EFTUD2 (elongation factor Tu GTP binding domain containing 2; minus strand). Cytogenetic location: 17q21.31.
Variant type: single nucleotide variant.
Coding change: c.2555G>A on transcript NM_004247.4 (MANE Select); coding-DNA position 2555, G replaced by A.
Protein change: p.Arg852Lys; replaces arginine 852 with lysine.
Molecular consequence: missense variant.
Genome position (GRCh38, 1-based): chr17:44,853,302, C>T on the plus strand (G>A on the coding strand, the complement: EFTUD2 is on the minus strand). VCF-style: chr17-44853302-C-T. GRCh37 (hg19) VCF-style: chr17-42930670-C-T.
Other names: c.2450G>A, p.Arg817Lys (NM_001142605.2); c.2555G>A, p.Arg852Lys (NM_001258353.2); c.2525G>A, p.Arg842Lys (NM_001258354.2); short protein forms R817K, R842K, R852K.
Identifiers: ClinVar variation 754235 (VCV000754235.13), dbSNP rs776160266, ClinGen allele CA8607455.
Genomic context (GRCh38, chr17:44,853,302, plus strand): 5'-TCTTGTTCTGCTCTTGCTCTCAGCACTCTCCCTAATACGCCTGGGGCCGCTCACCTGCGC[C>T]TGGCCAGGACGGTATAAACTGCAGAGACGCAATCTGCAGGGGCCTGGACCTCTACAAAGT-3'
Protein context (NP_004238.3, residues 842-862): CVSAVYTVLA[Arg852Lys]RRGHVTQDAP